The following is an entry in ClinVar:

ClinVar aggregate classification (germline): Uncertain significance. Review status: criteria provided, multiple submitters, no conflicts (2 of 4 stars). 3 submissions from 3 submitters: Uncertain significance (3). Last evaluated 2024-11-29.

Conditions:
DNA2-related disorder. Also called: DNA2-related condition.

Allele frequency attached by ClinVar (database versions not stated): gnomAD exomes below 0.00001; TOPMed below 0.00001.

Submissions (3):

Labcorp Genetics (formerly Invitae), Labcorp
Classification: Uncertain significance. Last evaluated: 2024-11-29. Review status: criteria provided, single submitter. Criteria: Invitae Variant Classification Sherloc (09022015). Collection method: clinical testing. Allele origin: germline.
Comment: This sequence change replaces serine, which is neutral and polar, with leucine, which is neutral and non-polar, at codon 552 of the DNA2 protein (p.Ser552Leu). The frequency data for this variant in the population databases is considered unreliable, as metrics indicate poor data quality at this position in the gnomAD database. This missense change has been observed in individual(s) with autosomal dominant DNA2-related conditions (PMID: 31478350). ClinVar contains an entry for this variant (Variation ID: 2633267). Invitae Evidence Modeling of protein sequence and biophysical properties (such as structural, functional, and spatial information, amino acid conservation, physicochemical variation, residue mobility, and thermodynamic stability) indicates that this missense variant is not expected to disrupt DNA2 protein function with a negative predictive value of 80%. In summary, the available evidence is currently insufficient to determine the role of this variant in disease. Therefore, it has been classified as a Variant of Uncertain Significance.

PreventionGenetics, part of Exact Sciences
Classification: Uncertain significance for DNA2-related condition. Last evaluated: 2023-05-05. Review status: criteria provided, single submitter. Criteria: ACMG Guidelines, 2015. Collection method: clinical testing. Allele origin: germline.
Comment: The DNA2 c.1655C>T variant is predicted to result in the amino acid substitution p.Ser552Leu. This variant was reported in an individual with bilateral ptosis and in vivo assays indicated this variant may alter protein function (Ronchi et al 2019. PubMed ID: 31478350). This variant is reported in 0.0046% of alleles in individuals of South Asian descent in gnomAD. At this time, the clinical significance of this variant is uncertain due to the absence of conclusive functional and genetic evidence.

Blueprint Genetics
Classification: Uncertain significance. Last evaluated: 2021-10-04. Review status: criteria provided, single submitter. Criteria: ACMG Guidelines, 2015. Collection method: clinical testing. Allele origin: germline.

Literature cited by the submitters: PubMed 31478350 (cited by Labcorp Genetics (formerly Invitae), Labcorp).

NM_001080449.3(DNA2):c.1655C>T (p.Ser552Leu)

Gene: DNA2 (DNA replication helicase/nuclease 2; minus strand). Cytogenetic location: 10q21.3.
Variant type: single nucleotide variant.
Coding change: c.1655C>T on transcript NM_001080449.3 (MANE Select); coding-DNA position 1655, C replaced by T.
Protein change: p.Ser552Leu; replaces serine 552 with leucine.
Molecular consequence: missense variant. On other transcripts: non-coding transcript variant (1).
Genome position (GRCh38, 1-based): chr10:68,432,502, G>A on the plus strand (C>T on the coding strand, the complement: DNA2 is on the minus strand). VCF-style: chr10-68432502-G-A. GRCh37 (hg19) VCF-style: chr10-70192259-G-A.
Other names: short protein forms S552L.
Identifiers: ClinVar variation 2633267 (VCV002633267.6), dbSNP rs910368080, ClinGen allele CA208203588.